The following is an entry in ClinVar:

ClinVar aggregate classification (germline): Pathogenic/Likely pathogenic. Review status: criteria provided, multiple submitters, no conflicts (2 of 4 stars). 3 submissions from 3 submitters: Pathogenic (1); Likely pathogenic (2). Last evaluated 2025-06-25.

Conditions:
TTN-related disorder. Also called: TTN-related condition; TTN-related disease; TTN-related disorders.
Dilated cardiomyopathy 1G (CMD1G). Identifiers: Orphanet 154, MedGen C1858763, MONDO:0011400, OMIM 604145.
Autosomal recessive limb-girdle muscular dystrophy type 2J (LGMDR10). Also called: Limb-girdle muscular dystrophy, type 2J; MUSCULAR DYSTROPHY, LIMB-GIRDLE, AUTOSOMAL RECESSIVE 10. Identifiers: Orphanet 140922, MedGen C1837342, MONDO:0012127, OMIM 608807.

Submissions (3):

Institute of Immunology and Genetics Kaiserslautern
Classification: Pathogenic for Dilated cardiomyopathy 1G. Last evaluated: 2025-06-25. Review status: criteria provided, single submitter. Criteria: ACMG Guidelines, 2015. Collection method: clinical testing. Allele origin: germline. Affected: yes.
Comment: ACMG Criteria: PVS1, PM1, PM2, PP5; Variant was found in heterozygous state.

Labcorp Genetics (formerly Invitae), Labcorp
Classification: Likely pathogenic for Dilated cardiomyopathy 1G; Autosomal recessive limb-girdle muscular dystrophy type 2J. Last evaluated: 2024-11-10. Review status: criteria provided, single submitter. Criteria: Invitae Variant Classification Sherloc (09022015). Collection method: clinical testing. Allele origin: germline.
Comment: This sequence change creates a premature translational stop signal (p.Trp31556*) in the TTN gene. While this is not anticipated to result in nonsense mediated decay, it is expected to create a truncated TTN protein. This variant is not present in population databases (gnomAD no frequency). This variant has not been reported in the literature in individuals affected with TTN-related conditions. ClinVar contains an entry for this variant (Variation ID: 636672). This variant is located in the A band of TTN (PMID: 25589632). Truncating variants in this region are significantly overrepresented in patients affected with dilated cardiomyopathy (PMID: 25589632). Truncating variants in this region have also been reported in individuals affected with autosomal recessive centronuclear myopathy (PMID: 23975875). In summary, the currently available evidence indicates that the variant is pathogenic, but additional data are needed to prove that conclusively. Therefore, this variant has been classified as Likely Pathogenic.

Blueprint Genetics
Classification: Likely pathogenic for TTN-related disorders. Last evaluated: 2018-06-06. Review status: criteria provided, single submitter. Criteria: ACMG Guidelines, 2015. Collection method: clinical testing. Allele origin: germline. Affected: yes. Observed: 1 variant allele.

Literature cited by the submitters: PubMed 25589632 (cited by Labcorp Genetics (formerly Invitae), Labcorp); PubMed 23975875 (cited by Labcorp Genetics (formerly Invitae), Labcorp).

NM_001267550.2(TTN):c.94667G>A (p.Trp31556Ter)

Genes: TTN (titin; minus strand), TTN-AS1 (TTN antisense RNA 1; plus strand). Cytogenetic location: 2q31.2.
Variant type: single nucleotide variant.
Coding change: c.94667G>A on transcript NM_001267550.2 (MANE Select); coding-DNA position 94667, G replaced by A.
Protein change: p.Trp31556Ter; replaces tryptophan 31556 with a stop codon.
Molecular consequence: nonsense.
Genome position (GRCh38, 1-based): chr2:178,546,761, C>T on the plus strand (G>A on the coding strand, the complement: TTN is on the minus strand). VCF-style: chr2-178546761-C-T. GRCh37 (hg19) VCF-style: chr2-179411488-C-T.
Other names: c.89744G>A, p.Trp29915Ter (NM_001256850.1); c.67472G>A, p.Trp22491Ter (NM_003319.4); c.86963G>A, p.Trp28988Ter (NM_133378.4); c.67847G>A, p.Trp22616Ter (NM_133432.3); c.68048G>A, p.Trp22683Ter (NM_133437.4); short protein forms W31556*, W22616*, W28988*, W22491*, W22683*, W29915*.
Identifiers: ClinVar variation 636672 (VCV000636672.5), dbSNP rs868156117, ClinGen allele CA349471501.